The following is an entry in ClinVar:

ClinVar aggregate classification (germline): Uncertain significance (1 of 4 stars; one submission).

Conditions:
Early Myoclonic Encephalopathy. Identifiers: MedGen C0270855.

Allele frequency attached by ClinVar (database versions not stated): gnomAD exomes below 0.00001; gnomAD 0.00001; TOPMed 0.00001.
gnomAD v4.1: 4 of 1,591,580 alleles (0.00025%); highest among the groups gnomAD compares: African/African-American, 0.0013%; no homozygotes.

Submission:

Labcorp Genetics (formerly Invitae), Labcorp
Classification: Uncertain significance for Early Myoclonic Encephalopathy. Last evaluated: 2025-03-03. Review status: criteria provided, single submitter. Criteria: Invitae Variant Classification Sherloc (09022015). Collection method: clinical testing. Allele origin: germline.
Comment: This sequence change replaces methionine, which is neutral and non-polar, with threonine, which is neutral and polar, at codon 2273 of the JMJD1C protein (p.Met2273Thr). This variant is not present in population databases (gnomAD no frequency). This variant has not been reported in the literature in individuals affected with JMJD1C-related conditions. ClinVar contains an entry for this variant (Variation ID: 1007289). Invitae Evidence Modeling of protein sequence and biophysical properties (such as structural, functional, and spatial information, amino acid conservation, physicochemical variation, residue mobility, and thermodynamic stability) indicates that this missense variant is expected to disrupt JMJD1C protein function with a positive predictive value of 80%. In summary, the available evidence is currently insufficient to determine the role of this variant in disease. Therefore, it has been classified as a Variant of Uncertain Significance.

NM_032776.3(JMJD1C):c.6818T>C (p.Met2273Thr)

Gene: JMJD1C (jumonji domain containing 1C; minus strand). Cytogenetic location: 10q21.3.
Variant type: single nucleotide variant.
Coding change: c.6818T>C on transcript NM_032776.3 (MANE Select); coding-DNA position 6818, T replaced by C.
Protein change: p.Met2273Thr; replaces methionine 2273 with threonine.
Molecular consequence: missense variant. On other transcripts: non-coding transcript variant (1).
Genome position (GRCh38, 1-based): chr10:63,185,575, A>G on the plus strand (T>C on the coding strand, the complement: JMJD1C is on the minus strand). VCF-style: chr10-63185575-A-G. GRCh37 (hg19) VCF-style: chr10-64945335-A-G.
Other names: c.6272T>C, p.Met2091Thr (NM_001282948.2, NM_001318154.2); c.5954T>C, p.Met1985Thr (NM_001318153.2); c.6704T>C, p.Met2235Thr (NM_001322252.2); c.6161T>C, p.Met2054Thr (NM_001322254.2, NM_001322258.2); short protein forms M1985T, M2054T, M2091T, M2235T, M2273T.
Identifiers: ClinVar variation 1007289 (VCV001007289.9), dbSNP rs1177153983, ClinGen allele CA377021596.